The following is an entry in ClinVar:

NM_001099922.3(ALG13):c.2811T>A (p.Pro937=)

Gene: ALG13 (ALG13 UDP-N-acetylglucosaminyltransferase subunit; plus strand). Cytogenetic location: Xq23.
Variant type: single nucleotide variant.
Coding change: c.2811T>A on transcript NM_001099922.3 (MANE Select); coding-DNA position 2811, T replaced by A.
Protein change: p.Pro937=; no amino-acid change (proline 937 retained).
Molecular consequence: synonymous variant. On other transcripts: intron variant (5).
Genome position (GRCh38, 1-based): chrX:111,744,783, T>A. VCF-style: chrX-111744783-T-A. GRCh37 (hg19) VCF-style: chrX-110988011-T-A.
Other names: c.2577T>A, p.Pro859= (NM_001257231.2); c.2383+7904T>A (NM_001257237.2, NM_001257234.2, NM_001257230.2); c.2209+7904T>A (NM_001324293.1); c.2695+7904T>A (NM_001324292.2).
Identifiers: ClinVar variation 1593958 (VCV001593958.18), dbSNP rs1464628002, ClinGen allele CA518059806.

ClinVar aggregate classification (germline): Likely benign. Review status: criteria provided, multiple submitters, no conflicts (2 of 4 stars). 2 submissions from 2 submitters: Likely benign (2). Last evaluated 2025-05-01.

Conditions:
Developmental and epileptic encephalopathy, 36 (DEE36). Also called: Epileptic encephalopathy, early infantile, 36; Congenital disorder of glycosylation, type Is; ALG13-CDG. Identifiers: Orphanet 324422, MedGen C4317295, MONDO:0010472, OMIM 300884.

Allele frequency attached by ClinVar (database versions not stated): gnomAD 0.00004.

Submissions (2):

CeGaT Center for Human Genetics Tuebingen
Classification: Likely benign. Last evaluated: 2025-05-01. Review status: criteria provided, single submitter. Criteria: CeGaT Center For Human Genetics Tuebingen Variant Classification Criteria Version 2. Collection method: clinical testing. Allele origin: germline. Affected: yes. Observed: 1 variant allele.
Comment: ALG13: BP4, BP7

Labcorp Genetics (formerly Invitae), Labcorp
Classification: Likely benign for Developmental and epileptic encephalopathy, 36. Last evaluated: 2024-01-26. Review status: criteria provided, single submitter. Criteria: Invitae Variant Classification Sherloc (09022015). Collection method: clinical testing. Allele origin: germline.